The following is an entry in ClinVar:

ClinVar aggregate classification (germline): Pathogenic/Likely pathogenic. Review status: criteria provided, multiple submitters, no conflicts (2 of 4 stars). 3 submissions from 3 submitters: Pathogenic (2); Likely pathogenic (1). Last evaluated 2026-04-01.

Conditions:
Jeune thoracic dystrophy. Also called: Short-rib thoracic dysplasia; Jeune syndrome; Infantile thoracic dystrophy; Thoracic pelvic phalangeal dystrophy; Jeune's syndrome; Chondroectodermal dysplasia-like syndrome. Identifiers: Orphanet 474, MedGen C0265275, MONDO:0018770.
Primary ciliary dyskinesia. Also called: Ciliary dyskinesia. Identifiers: Orphanet 244, MedGen C0008780, MONDO:0016575, HP:0012265.
Asphyxiating thoracic dystrophy 3. Also called: Short rib polydactyly syndrome 2B; SHORT-RIB THORACIC DYSPLASIA 3 WITH OR WITHOUT POLYDACTYLY; POLYDACTYLY WITH NEONATAL CHONDRODYSTROPHY, TYPE I; SHORT-RIB THORACIC DYSPLASIA 3/6 WITH POLYDACTYLY, DIGENIC; Saldino-Noonan Syndrome. Identifiers: Orphanet 474, Orphanet 93269, Orphanet 93270, Orphanet 93271, MedGen C0036069, MONDO:0013127, OMIM 613091.

gnomAD v4.1: 77 of 1,589,980 alleles (0.0048%); highest among the groups gnomAD compares: Non-Finnish European, 0.0063%; no homozygotes.

Submissions (3):

Department of Human Genetics, Hannover Medical School
Classification: Likely pathogenic for Primary Ciliary Dyskinesia. Last evaluated: 2026-04-01. Review status: criteria provided, single submitter. Criteria: ACMG Guidelines, 2015. Collection method: research. Allele origin: germline. Affected: no.
Comment: Classification performed by HerediClassify using the following criteria:['PM2_supporting: Variant occures does not occur as homozygous in gnomAD.', 'PVS1_protein_very_strong: Transcript ENST00000375735 is predicted to undergo NMD.']

Myriad Genetics, Inc.
Classification: Pathogenic for Asphyxiating thoracic dystrophy 3. Last evaluated: 2026-03-28. Review status: criteria provided, single submitter. Criteria: Myriad Autosomal Dominant, Autosomal Recessive and X-Linked Classification Criteria (2023). Collection method: clinical testing. Allele origin: unknown.
Comment: NM_001377.2(DYNC2H1):c.8146C>T(Q2716*) is expected to be pathogenic in the context of DYNC2H1-related disorders. This variant is predicted to lead to an abnormal or absent protein product due to the creation of a premature termination codon in DYNC2H1, a gene where loss-of-function variants are known to be pathogenic. Please note: this variant was assessed in the context of healthy population screening.

Labcorp Genetics (formerly Invitae), Labcorp
Classification: Pathogenic for Jeune thoracic dystrophy. Last evaluated: 2024-10-21. Review status: criteria provided, single submitter. Criteria: Invitae Variant Classification Sherloc (09022015). Collection method: clinical testing. Allele origin: germline.
Comment: This sequence change creates a premature translational stop signal (p.Gln2716*) in the DYNC2H1 gene. It is expected to result in an absent or disrupted protein product. Loss-of-function variants in DYNC2H1 are known to be pathogenic (PMID: 23339108, 32753734, 33755199). This variant is present in population databases (rs374452039, gnomAD 0.007%). This variant has not been reported in the literature in individuals affected with DYNC2H1-related conditions. Algorithms developed to predict the effect of sequence changes on RNA splicing suggest that this variant may disrupt the consensus splice site. For these reasons, this variant has been classified as Pathogenic.

Literature cited by the submitters: PubMed 23339108 (cited by Labcorp Genetics (formerly Invitae), Labcorp); PubMed 32753734 (cited by Labcorp Genetics (formerly Invitae), Labcorp); PubMed 33755199 (cited by Labcorp Genetics (formerly Invitae), Labcorp).

NM_001377.3(DYNC2H1):c.8146C>T (p.Gln2716Ter)

Gene: DYNC2H1 (dynein cytoplasmic 2 heavy chain 1; plus strand). Cytogenetic location: 11q22.3.
Variant type: single nucleotide variant.
Coding change: c.8146C>T on transcript NM_001377.3 (MANE Select); coding-DNA position 8146, C replaced by T.
Protein change: p.Gln2716Ter; replaces glutamine 2716 with a stop codon.
Molecular consequence: nonsense.
Genome position (GRCh38, 1-based): chr11:103,200,103, C>T. VCF-style: chr11-103200103-C-T. GRCh37 (hg19) VCF-style: chr11-103070832-C-T.
Other names: c.8146C>T, p.Gln2716Ter (NM_001080463.2); short protein forms Q2716*.
Identifiers: ClinVar variation 3608975 (VCV003608975.4).